The following is an entry in ClinVar:

NC_000015.9:g.(?_48791030)_(48829850_?)del

Gene: FBN1 (fibrillin 1; minus strand). Cytogenetic location: 15q21.1.
Variant type: Deletion.
Identifiers: ClinVar variation 3243738 (VCV003243738.1).

ClinVar aggregate classification (germline): Pathogenic (1 of 4 stars; one submission).

Conditions:
Marfan syndrome (MFS). Also called: MARFAN SYNDROME, TYPE I; Marfan syndrome type 1; Marfan's syndrome; Marfan syndrome, classic; FBN1-Related Marfan Syndrome. Identifiers: Orphanet 284963, Orphanet 558, MedGen C0024796, MONDO:0007947, OMIM 154700.
Familial thoracic aortic aneurysm and aortic dissection (TAAD). Also called: Thoracic aortic aneurysms and dissections. Identifiers: Orphanet 91387, MedGen C4707243, MONDO:0019625.

Submission:

Labcorp Genetics (formerly Invitae), Labcorp
Classification: Pathogenic for Marfan syndrome; Familial thoracic aortic aneurysm and aortic dissection. Last evaluated: 2019-01-28. Review status: criteria provided, single submitter. Criteria: Invitae Variant Classification Sherloc (09022015). Collection method: clinical testing. Allele origin: unknown.
Comment: This variant affects a cysteine residue in the EGF-like, TGFBP or hybrid motif domains of FBN1. Cysteine residues are believed to be involved in intramolecular disulfide bridges and have been shown to be important for FBN1 protein structure (PMID: 16905551, 19349279). In addition, missense substitutions affecting cysteine residues within these domains are significantly overrepresented among patients with Marfan syndrome (PMID: 16571647, 17701892). For these reasons, this variant has been classified as Pathogenic. Loss-of-function variants in FBN1 are known to be pathogenic (PMID: 17657824, 19293843). This variant has not been reported in the literature in individuals with FBN1-related conditions. This variant is a deletion of the genomic region encompassing part of exon 7 and exons 8-18 (c.695_2167+151del)¬†of the FBN1 gene. It is expected to disrupt RNA splicing and likely results in an absent or disrupted protein product.

Literature cited by the submitters: PubMed 16905551; PubMed 19349279; PubMed 16571647; PubMed 17701892; PubMed 17657824; PubMed 19293843.